The following is an entry in ClinVar:

NM_130466.4(UBE3B):c.1865A>G (p.Lys622Arg)

Gene: UBE3B (ubiquitin protein ligase E3B; plus strand). Cytogenetic location: 12q24.11.
Variant type: single nucleotide variant.
Coding change: c.1865A>G on transcript NM_130466.4 (MANE Select); coding-DNA position 1865, A replaced by G.
Protein change: p.Lys622Arg; replaces lysine 622 with arginine.
Molecular consequence: missense variant.
Genome position (GRCh38, 1-based): chr12:109,511,212, A>G. VCF-style: chr12-109511212-A-G. GRCh37 (hg19) VCF-style: chr12-109949017-A-G.
Other names: c.1865A>G, p.Lys622Arg (NM_183415.3); short protein forms K622R.
Identifiers: ClinVar variation 2061616 (VCV002061616.2), dbSNP rs747158016, ClinGen allele CA6778024.

ClinVar aggregate classification (germline): Uncertain significance (1 of 4 stars; one submission).

Allele frequency attached by ClinVar (database versions not stated): ExAC 0.00001; gnomAD 0.00003.
gnomAD v4.1: 24 of 1,613,894 alleles (0.0015%); highest among the groups gnomAD compares: African/African-American, 0.012%; no homozygotes.

Submission:

Labcorp Genetics (formerly Invitae), Labcorp
Classification: Uncertain significance. Last evaluated: 2022-10-24. Review status: criteria provided, single submitter. Criteria: Invitae Variant Classification Sherloc (09022015). Collection method: clinical testing. Allele origin: germline.
Comment: This variant has not been reported in the literature in individuals affected with UBE3B-related conditions. This variant is present in population databases (rs747158016, gnomAD 0.004%). This sequence change replaces lysine, which is basic and polar, with arginine, which is basic and polar, at codon 622 of the UBE3B protein (p.Lys622Arg). Advanced modeling of protein sequence and biophysical properties (such as structural, functional, and spatial information, amino acid conservation, physicochemical variation, residue mobility, and thermodynamic stability) performed at Invitae indicates that this missense variant is not expected to disrupt UBE3B protein function. In summary, the available evidence is currently insufficient to determine the role of this variant in disease. Therefore, it has been classified as a Variant of Uncertain Significance.